The following is an entry in ClinVar:

NM_000038.6(APC):c.4333A>T (p.Thr1445Ser)

Gene: APC (APC regulator of Wnt signaling pathway; plus strand). Cytogenetic location: 5q22.2.
Variant type: single nucleotide variant.
Coding change: c.4333A>T on transcript NM_000038.6 (MANE Select); coding-DNA position 4333, A replaced by T.
Protein change: p.Thr1445Ser; replaces threonine 1445 with serine.
Molecular consequence: missense variant. On other transcripts: non-coding transcript variant (2).
Genome position (GRCh38, 1-based): chr5:112,839,927, A>T. VCF-style: chr5-112839927-A-T. GRCh37 (hg19) VCF-style: chr5-112175624-A-T.
Other names: c.4333A>T, p.Thr1445Ser (NM_001354895.2, NM_001127510.3, NM_001407450.1); c.4387A>T, p.Thr1463Ser (NM_001354896.2, NM_001407447.1, NM_001407448.1 and 1 more transcripts); c.4279A>T, p.Thr1427Ser (NM_001127511.3); c.4363A>T, p.Thr1455Ser (NM_001354897.2); c.4258A>T, p.Thr1420Ser (NM_001354898.2); c.4249A>T, p.Thr1417Ser (NM_001354899.2); c.4210A>T, p.Thr1404Ser (NM_001354900.2); c.4156A>T, p.Thr1386Ser (NM_001354901.2, NM_001407453.1); and 11 more; short protein forms T1316S, T1319S, T1354S, T1362S, T1420S, T1427S, T1438S, T1417S.
Identifiers: ClinVar variation 4120909 (VCV004120909.2).

ClinVar aggregate classification (germline): Uncertain significance. Review status: criteria provided, multiple submitters, no conflicts (2 of 4 stars). 2 submissions from 2 submitters: Uncertain significance (2). Last evaluated 2025-07-12.

Conditions:
Hereditary cancer-predisposing syndrome. Also called: Hereditary neoplastic syndrome; Neoplastic Syndromes, Hereditary; Tumor predisposition; Hereditary Cancer Syndrome. Identifiers: Orphanet 140162, MedGen C0027672, MeSH D009386, MONDO:0015356.

gnomAD v4.1: 1 of 1,614,056 alleles (0.000062%); highest among the groups gnomAD compares: Non-Finnish European, 0.000085%; no homozygotes.

Submissions (2):

Ambry Genetics
Classification: Uncertain significance for Hereditary cancer-predisposing syndrome. Last evaluated: 2025-07-12. Review status: criteria provided, single submitter. Criteria: Ambry Variant Classification Scheme 2023. Collection method: clinical testing. Allele origin: germline.
Comment: The p.T1445S variant (also known as c.4333A>T), located in coding exon 15 of the APC gene, results from an A to T substitution at nucleotide position 4333. The threonine at codon 1445 is replaced by serine, an amino acid with similar properties. This amino acid position is conserved. In addition, in silico predictors for this gene do not accurately predict pathogenicity. Based on the available evidence, the clinical significance of this variant remains unclear.

Quest Diagnostics Nichols Institute San Juan Capistrano
Classification: Uncertain significance. Last evaluated: 2025-04-22. Review status: criteria provided, single submitter. Criteria: Quest Diagnostics criteria. Collection method: clinical testing. Allele origin: unknown.
Comment: The APC c.4333A>T (p.Thr1445Ser) variant has not been reported in individuals with APC-related conditions in the published literature. It also has not been reported in large, multi-ethnic general populations (Genome Aggregation Database). Analysis of this variant using bioinformatics tools for the prediction of the effect of amino acid changes on protein structure and function yielded predictions that this variant is benign. Based on the available information, we are unable to determine the clinical significance of this variant.